The following is an entry in ClinVar:

NM_000059.4(BRCA2):c.9205T>G (p.Cys3069Gly)

Gene: BRCA2 (BRCA2 DNA repair associated; plus strand). Cytogenetic location: 13q13.1.
Variant type: single nucleotide variant.
Coding change: c.9205T>G on transcript NM_000059.4 (MANE Select); coding-DNA position 9205, T replaced by G.
Protein change: p.Cys3069Gly; replaces cysteine 3069 with glycine.
Molecular consequence: missense variant.
Genome position (GRCh38, 1-based): chr13:32,380,094, T>G. VCF-style: chr13-32380094-T-G. GRCh37 (hg19) VCF-style: chr13-32954231-T-G.
Other names: 9433T>G; short protein forms C3069G.
Identifiers: ClinVar variation 91518 (VCV000091518.25), dbSNP rs398122611, ClinGen allele CA026031.

ClinVar aggregate classification (germline): Conflicting classifications of pathogenicity. Review status: criteria provided, conflicting classifications (1 of 4 stars). 6 submissions from 6 submitters: Uncertain significance (3); Likely benign (2). 1 of the submissions does not count toward it. Last evaluated 2025-03-04.

Conditions:
Hereditary breast ovarian cancer syndrome. Also called: Breast and ovarian cancer; Hereditary breast and ovarian cancer; Hereditary breast and ovarian cancer syndrome; BRCA1- and BRCA2-Associated Hereditary Breast and Ovarian Cancer; Hereditary breast and ovarian cancer syndrome (HBOC); Hereditary breast and/or ovarian cancer syndrome. Identifiers: Orphanet 145, MedGen C0677776, MeSH D061325, MONDO:0003582. Disease mechanism: loss of function.
Hereditary cancer-predisposing syndrome. Also called: Tumor predisposition; Hereditary Cancer Syndrome; Neoplastic Syndromes, Hereditary; Hereditary neoplastic syndrome. Identifiers: Orphanet 140162, MedGen C0027672, MeSH D009386, MONDO:0015356.
Breast-ovarian cancer, familial, susceptibility to, 2 (BROVCA2). Also called: BRCA2 Hereditary Breast and Ovarian Cancer. Identifiers: Orphanet 145, MedGen C2675520, MONDO:0012933, OMIM 612555. Disease mechanism: loss of function.

Submissions (6):

Center for Genomic Medicine, Rigshospitalet, Copenhagen University Hospital
Classification: Uncertain significance. Last evaluated: 2025-03-04. Review status: criteria provided, single submitter. Criteria: ACMG Guidelines, 2015. Collection method: clinical testing. Allele origin: germline.

Department of Clinical Genetics, Copenhagen University Hospital, Rigshospitalet
Classification: Likely benign for Breast-ovarian cancer, familial, susceptibility to, 2. Last evaluated: 2025-01-10. Review status: criteria provided, single submitter. Criteria: ACMG Guidelines, 2015. Collection method: clinical testing. Allele origin: germline. Inheritance: Autosomal dominant inheritance.
Comment: The following ACMG criteria was used: PM2_SUP; BS3

Labcorp Genetics (formerly Invitae), Labcorp
Classification: Uncertain significance for Hereditary breast ovarian cancer syndrome. Last evaluated: 2024-11-06. Review status: criteria provided, single submitter. Criteria: Invitae Variant Classification Sherloc (09022015). Collection method: clinical testing. Allele origin: germline.
Comment: This sequence change replaces cysteine, which is neutral and slightly polar, with glycine, which is neutral and non-polar, at codon 3069 of the BRCA2 protein (p.Cys3069Gly). This variant is not present in population databases (gnomAD no frequency). This variant has not been reported in the literature in individuals affected with BRCA2-related conditions. ClinVar contains an entry for this variant (Variation ID: 91518). Invitae Evidence Modeling of protein sequence and biophysical properties (such as structural, functional, and spatial information, amino acid conservation, physicochemical variation, residue mobility, and thermodynamic stability) indicates that this missense variant is not expected to disrupt BRCA2 protein function with a negative predictive value of 95%. In summary, the available evidence is currently insufficient to determine the role of this variant in disease. Therefore, it has been classified as a Variant of Uncertain Significance.

Ambry Genetics
Classification: Likely benign for Hereditary cancer-predisposing syndrome. Last evaluated: 2022-01-11. Review status: criteria provided, single submitter. Criteria: Ambry Variant Classification Scheme 2023. Collection method: clinical testing. Allele origin: germline.

Color Diagnostics, LLC DBA Color Health
Classification: Uncertain significance for Hereditary cancer-predisposing syndrome. Last evaluated: 2019-04-02. Review status: criteria provided, single submitter. Criteria: ACMG Guidelines, 2015. Collection method: clinical testing. Allele origin: germline.

Sharing Clinical Reports Project (SCRP)
Classification: Uncertain significance for Breast-ovarian cancer, familial 2. Last evaluated: 2009-05-07. Review status: no assertion criteria provided. Collection method: clinical testing. Allele origin: germline. Not counted in ClinVar's aggregate classification.

Literature cited by the submitters: PubMed 35736817 (cited by Center for Genomic Medicine, Rigshospitalet, Copenhagen University Hospital); PubMed 38417939 (cited by Department of Clinical Genetics, Copenhagen University Hospital, Rigshospitalet); PubMed 39779857 (cited by Department of Clinical Genetics, Copenhagen University Hospital, Rigshospitalet).